The following is an entry in ClinVar:

NM_001042492.3(NF1):c.7322dup (p.Leu2442fs)

Gene: NF1 (neurofibromin 1; plus strand). Cytogenetic location: 17q11.2.
Variant type: Duplication.
Coding change: c.7322dup on transcript NM_001042492.3 (MANE Select); coding-DNA position 7322, one base duplicated (C; older notation c.7322dupC).
Protein change: p.Leu2442fs; shifts the reading frame from leucine 2442.
Molecular consequence: frameshift variant.
Genome position (GRCh38, 1-based): chr17:31,350,183, C duplicated. VCF-style (leftmost placement, unchanged base first): chr17-31350182-G-GC. GRCh37 (hg19) VCF-style: chr17-29677200-G-GC.
Other names: c.7259dup, p.Leu2421Phefs (NM_000267.4); short protein forms L2421fs, L2442fs.
Identifiers: ClinVar variation 3775650 (VCV003775650.1).

ClinVar aggregate classification (germline): Likely pathogenic (1 of 4 stars; one submission).

Conditions:
Neurofibromatosis, type 1 (NF1). Also called: Peripheral type neurofibromatosis; VON RECKLINGHAUSEN DISEASE; NEUROFIBROMATOSIS, TYPE I, SOMATIC; Neurofibromatosis, type I. Identifiers: Orphanet 636, MedGen C0027831, MONDO:0018975, OMIM 162200. Disease mechanism: loss of function.

Submission:

3billion
Classification: Likely pathogenic for Neurofibromatosis, type 1. Last evaluated: 2024-03-07. Review status: criteria provided, single submitter. Criteria: ACMG Guidelines, 2015. Collection method: clinical testing. Allele origin: germline. Affected: yes.
Comment: The variant is not observed in the gnomAD v2.1.1 dataset. Predicted Consequence/Location: Frameshift: predicted to result in a loss or disruption of normal protein function through nonsense-mediated decay (NMD) or protein truncation. Multiple pathogenic variants are reported downstream of the variant. Therefore, this variant is classified as Likely pathogenic according to the recommendation of ACMG/AMP guideline.